The following is an entry in ClinVar:

NM_020461.4(TUBGCP6):c.478G>C (p.Val160Leu)

Gene: TUBGCP6 (tubulin gamma complex component 6; minus strand). Cytogenetic location: 22q13.33.
Variant type: single nucleotide variant.
Coding change: c.478G>C on transcript NM_020461.4 (MANE Select); coding-DNA position 478, G replaced by C.
Protein change: p.Val160Leu; replaces valine 160 with leucine.
Molecular consequence: missense variant.
Genome position (GRCh38, 1-based): chr22:50,243,982, C>G on the plus strand (G>C on the coding strand, the complement: TUBGCP6 is on the minus strand). VCF-style: chr22-50243982-C-G. GRCh37 (hg19) VCF-style: chr22-50682411-C-G.
Other names: short protein forms V160L.
Identifiers: ClinVar variation 2104754 (VCV002104754.4), dbSNP rs1465401356, ClinGen allele CA412115227.
Genomic context (GRCh38, chr22:50,243,982, plus strand): 5'-GAAGTGTTTCCTGGATCATGCTGTGACACAAACACTCTTCTCTGGAGATCAGAGACTGAA[C>G]GTCCATCTCAAACACACTCAGGTCGTCGCAATCATAGCCGCTGTACGGAACGTTTCTCCC-3'
Protein context (NP_065194.3, residues 150-170): CDDLSVFEMD[Val160Leu]QSLISREECL

ClinVar aggregate classification (germline): Uncertain significance (1 of 4 stars; one submission).

Submission:

Labcorp Genetics (formerly Invitae), Labcorp
Classification: Uncertain significance. Last evaluated: 2022-03-09. Review status: criteria provided, single submitter. Criteria: Invitae Variant Classification Sherloc (09022015). Collection method: clinical testing. Allele origin: germline.
Comment: This sequence change replaces valine, which is neutral and non-polar, with leucine, which is neutral and non-polar, at codon 160 of the TUBGCP6 protein (p.Val160Leu). In summary, the available evidence is currently insufficient to determine the role of this variant in disease. Therefore, it has been classified as a Variant of Uncertain Significance. Algorithms developed to predict the effect of missense changes on protein structure and function (SIFT, PolyPhen-2, Align-GVGD) all suggest that this variant is likely to be tolerated. This variant has not been reported in the literature in individuals affected with TUBGCP6-related conditions. This variant is not present in population databases (gnomAD no frequency).